The following is an entry in ClinVar:

ClinVar aggregate classification (germline): Likely pathogenic (1 of 4 stars; one submission).

Conditions:
Bloom syndrome (BLM). Also called: Bloom-Torre-Machacek syndrome. Identifiers: Orphanet 125, MedGen C0005859, MONDO:0008876, OMIM 210900.

Allele frequency attached by ClinVar (database versions not stated): gnomAD exomes below 0.00001; ExAC 0.00001.
gnomAD v4.1: 4 of 1,613,122 alleles (0.00025%); highest among the groups gnomAD compares: South Asian, 0.0033%; no homozygotes.

Submission:

Labcorp Genetics (formerly Invitae), Labcorp
Classification: Likely pathogenic for Bloom syndrome. Last evaluated: 2025-09-28. Review status: criteria provided, single submitter. Criteria: Invitae Variant Classification Sherloc (09022015). Collection method: clinical testing. Allele origin: germline.
Comment: This sequence change affects an acceptor splice site in intron 7 of the BLM gene. It is expected to disrupt RNA splicing. Variants that disrupt the donor or acceptor splice site typically lead to a loss of protein function (PMID: 16199547), and loss-of-function variants in BLM are known to be pathogenic (PMID: 17407155). This variant is present in population databases (rs772230310, gnomAD 0.003%). This variant has not been reported in the literature in individuals affected with BLM-related conditions. ClinVar contains an entry for this variant (Variation ID: 1068276). Algorithms developed to predict the effect of sequence changes on RNA splicing suggest that this variant may disrupt the consensus splice site. In summary, the currently available evidence indicates that the variant is pathogenic, but additional data are needed to prove that conclusively. Therefore, this variant has been classified as Likely Pathogenic.

Literature cited by the submitters: PubMed 16199547; PubMed 17407155.

NM_000057.4(BLM):c.1883-1G>A

Gene: BLM (BLM RecQ like helicase; plus strand). Cytogenetic location: 15q26.1.
Variant type: single nucleotide variant.
Coding change: c.1883-1G>A on transcript NM_000057.4 (MANE Select); the canonical splice acceptor site of the intron before coding-DNA position 1883, G replaced by A.
Molecular consequence: splice acceptor variant.
Genome position (GRCh38, 1-based): chr15:90,762,965, G>A. VCF-style: chr15-90762965-G-A. GRCh37 (hg19) VCF-style: chr15-91306195-G-A.
Other names: c.1883-1G>A (NM_001287246.2, NM_001287247.2); c.758-1G>A (NM_001287248.2).
Identifiers: ClinVar variation 1068276 (VCV001068276.7), dbSNP rs772230310, ClinGen allele CA7738612.